The following is an entry in ClinVar:

ClinVar aggregate classification (germline): Uncertain significance (1 of 4 stars; one submission).

Conditions:
Dilated cardiomyopathy 1J (CMD1J). Also called: CARDIOMYOPATHY, DILATED, WITH SENSORINEURAL HEARING LOSS, AUTOSOMAL DOMINANT. Identifiers: Orphanet 217622, MedGen C1854368, MONDO:0011541, OMIM 605362.

gnomAD v4.1: 9 of 1,612,084 alleles (0.00056%); highest among the groups gnomAD compares: South Asian, 0.0088%; no homozygotes.

Submission:

Labcorp Genetics (formerly Invitae), Labcorp
Classification: Uncertain significance for Dilated cardiomyopathy 1J. Last evaluated: 2025-09-20. Review status: criteria provided, single submitter. Criteria: Invitae Variant Classification Sherloc (09022015). Collection method: clinical testing. Allele origin: germline.
Comment: This sequence change replaces serine, which is neutral and polar, with glycine, which is neutral and non-polar, at codon 127 of the EYA4 protein (p.Ser127Gly). This variant is present in population databases (rs141340245, gnomAD 0.02%). This variant has not been reported in the literature in individuals affected with EYA4-related conditions. An algorithm developed to predict the effect of missense changes on protein structure and function (PolyPhen-2) suggests that this variant is likely to be disruptive. In summary, the available evidence is currently insufficient to determine the role of this variant in disease. Therefore, it has been classified as a Variant of Uncertain Significance.

NM_004100.5(EYA4):c.379A>G (p.Ser127Gly)

Gene: EYA4 (EYA transcriptional coactivator and phosphatase 4; plus strand). Cytogenetic location: 6q23.2.
Variant type: single nucleotide variant.
Coding change: c.379A>G on transcript NM_004100.5 (MANE Select); coding-DNA position 379, A replaced by G.
Protein change: p.Ser127Gly; replaces serine 127 with glycine.
Molecular consequence: missense variant.
Genome position (GRCh38, 1-based): chr6:133,461,122, A>G. VCF-style: chr6-133461122-A-G. GRCh37 (hg19) VCF-style: chr6-133782260-A-G.
Other names: c.217A>G, p.Ser73Gly (NM_001301012.2, NM_001370459.1); c.379A>G, p.Ser127Gly (NM_001301013.2, NM_172105.4); c.310A>G, p.Ser104Gly (NM_001370458.1, NM_172103.4); short protein forms S104G, S73G, S127G.
Identifiers: ClinVar variation 4706872 (VCV004706872.1).